The following is an entry in ClinVar:

ClinVar aggregate classification (germline): Uncertain significance (1 of 4 stars; one submission).

Submission:

Labcorp Genetics (formerly Invitae), Labcorp
Classification: Uncertain significance. Last evaluated: 2022-08-12. Review status: criteria provided, single submitter. Criteria: Invitae Variant Classification Sherloc (09022015). Collection method: clinical testing. Allele origin: germline.
Comment: In summary, the available evidence is currently insufficient to determine the role of this variant in disease. Therefore, it has been classified as a Variant of Uncertain Significance. Advanced modeling of protein sequence and biophysical properties (such as structural, functional, and spatial information, amino acid conservation, physicochemical variation, residue mobility, and thermodynamic stability) performed at Invitae indicates that this missense variant is expected to disrupt ALOX12B protein function. This variant has not been reported in the literature in individuals affected with ALOX12B-related conditions. This variant is not present in population databases (gnomAD no frequency). This sequence change replaces asparagine, which is neutral and polar, with serine, which is neutral and polar, at codon 270 of the ALOX12B protein (p.Asn270Ser).

NM_001139.3(ALOX12B):c.809A>G (p.Asn270Ser)

Genes: ALOX12B (arachidonate 12-lipoxygenase, 12R type; minus strand), LOC130060196 (ATAC-STARR-seq lymphoblastoid active region 11660; plus strand). Cytogenetic location: 17p13.1.
Variant type: single nucleotide variant.
Coding change: c.809A>G on transcript NM_001139.3 (MANE Select); coding-DNA position 809, A replaced by G.
Protein change: p.Asn270Ser; replaces asparagine 270 with serine.
Molecular consequence: missense variant.
Genome position (GRCh38, 1-based): chr17:8,079,887, T>C on the plus strand (A>G on the coding strand, the complement: ALOX12B is on the minus strand). VCF-style: chr17-8079887-T-C. GRCh37 (hg19) VCF-style: chr17-7983205-T-C.
Other names: short protein forms N270S.
Identifiers: ClinVar variation 1714842 (VCV001714842.6), dbSNP rs2507697879, ClinGen allele CA397994463.